The following is an entry in ClinVar:

ClinVar aggregate classification (germline): Pathogenic (1 of 4 stars; one submission).

Conditions:
Deficiency of hydroxymethylglutaryl-CoA lyase (HMGCLD). Also called: Defect in leucine metabolism; 3-hydroxy-3-methylglutaric aciduria; HMG-CoA LYASE DEFICIENCY; HMGCL DEFICIENCY; HYDROXYMETHYLGLUTARIC ACIDURIA. Identifiers: Orphanet 20, MedGen C1533587, MONDO:0009520, OMIM 246450.

Submission:

Myriad Genetics, Inc.
Classification: Pathogenic for Deficiency of hydroxymethylglutaryl-CoA lyase. Last evaluated: 2025-10-30. Review status: criteria provided, single submitter. Criteria: Myriad Autosomal Dominant, Autosomal Recessive and X-Linked Classification Criteria (2023). Collection method: clinical testing. Allele origin: unknown.
Comment: NM_000191.2(HMGCL):c.867_872del6ins10(I290Kfs*27) is a frameshift variant classified as pathogenic in the context of HMG-CoA lyase deficiency. I290Kfs*27 has not been observed in cases with relevant disease. Relevant functional assessments of this variant are not available in the literature. I290Kfs*27 has not been observed in referenced population frequency databases. In summary, NM_000191.2(HMGCL):c.867_872del6ins10(I290Kfs*27) is a frameshift variant in a gene where loss of function is a known mechanism of disease and is predicted to disrupt protein function. Please note: this variant was assessed in the context of healthy population screening.

NM_000191.3(HMGCL):c.867_872delinsTAAGCCCACC (p.Ile290fs)

Gene: HMGCL (3-hydroxy-3-methylglutaryl-CoA lyase; minus strand). Cytogenetic location: 1p36.11.
Variant type: Indel.
Coding change: c.867_872delinsTAAGCCCACC on transcript NM_000191.3 (MANE Select); coding-DNA positions 867 to 872, CATTCA replaced by TAAGCCCACC.
Protein change: p.Ile290fs; shifts the reading frame from isoleucine 290.
Molecular consequence: frameshift variant.
Genome position (GRCh38, 1-based): chr1:23,804,404-23,804,409, TGAATG replaced by GGTGGGCTTA on the plus strand (CATTCA replaced by TAAGCCCACC on the coding strand, the reverse complement: HMGCL is on the minus strand). VCF-style: chr1-23804404-TGAATG-GGTGGGCTTA. GRCh37 (hg19) VCF-style: chr1-24130894-TGAATG-GGTGGGCTTA.
Other names: c.654_659delinsTAAGCCCACC, p.Ile219fs (NM_001166059.2); short protein forms I219fs, I290fs.
Identifiers: ClinVar variation 5004254 (VCV005004254.1).